The following is an entry in ClinVar:

NM_198578.4(LRRK2):c.3683G>A (p.Ser1228Asn)

Gene: LRRK2 (leucine rich repeat kinase 2; plus strand). Cytogenetic location: 12q12.
Variant type: single nucleotide variant.
Coding change: c.3683G>A on transcript NM_198578.4 (MANE Select); coding-DNA position 3683, G replaced by A.
Protein change: p.Ser1228Asn; replaces serine 1228 with asparagine.
Molecular consequence: missense variant.
Genome position (GRCh38, 1-based): chr12:40,304,040, G>A. VCF-style: chr12-40304040-G-A. GRCh37 (hg19) VCF-style: chr12-40697842-G-A.
Other names: short protein forms S1228N.
Identifiers: ClinVar variation 2453131 (VCV002453131.2), dbSNP rs60185966, ClinGen allele CA384416720.
Genomic context (GRCh38, chr12:40,304,040, plus strand): 5'-TTCAGTACCTACCAGGTCCCGCACACTGGAAATCTTTGAACTTAAGGGAACTCTTATTTA[G>A]CCATAATCAGATCAGCATCTTGGACTTGAGTGAAAAAGCATATTTATGGTCTAGAGTAGA-3'
Protein context (NP_940980.4, residues 1218-1238): KSLNLRELLF[Ser1228Asn]HNQISILDLS

ClinVar aggregate classification (germline): Uncertain significance (1 of 4 stars; one submission).

Conditions:
Inborn genetic diseases. Identifiers: MedGen C0950123, MeSH D030342.

Submission:

Ambry Genetics
Classification: Uncertain significance for Inborn genetic diseases. Last evaluated: 2023-02-25. Review status: criteria provided, single submitter. Criteria: Ambry Variant Classification Scheme 2023. Collection method: clinical testing. Allele origin: germline.
Comment: The p.S1228N variant (also known as c.3683G>A), located in coding exon 27 of the LRRK2 gene, results from a G to A substitution at nucleotide position 3683. The serine at codon 1228 is replaced by asparagine, an amino acid with highly similar properties. This amino acid position is conserved. In addition, this alteration is predicted to be tolerated by in silico analysis. Since supporting evidence is limited at this time, the clinical significance of this alteration remains unclear.